The following is an entry in ClinVar:

NM_001363711.2(DUOX2):c.3288T>C (p.Tyr1096=)

Gene: DUOX2 (dual oxidase 2; minus strand). Cytogenetic location: 15q21.1.
Variant type: single nucleotide variant.
Coding change: c.3288T>C on transcript NM_001363711.2 (MANE Select); coding-DNA position 3288, T replaced by C.
Protein change: p.Tyr1096=; no amino-acid change (tyrosine 1096 retained).
Molecular consequence: synonymous variant.
Genome position (GRCh38, 1-based): chr15:45,099,789, A>G on the plus strand (T>C on the coding strand, the complement: DUOX2 is on the minus strand). VCF-style: chr15-45099789-A-G. GRCh37 (hg19) VCF-style: chr15-45391987-A-G.
Other names: c.3288T>C, p.Tyr1096= (NM_014080.5); c.3288T>C (NM_014080.4).
Identifiers: ClinVar variation 2987269 (VCV002987269.5), dbSNP rs755674247, ClinGen allele CA7537931.

ClinVar aggregate classification (germline): Likely benign. Review status: criteria provided, single submitter (1 of 4 stars). 2 submissions from 2 submitters: Likely benign (1). 1 of the submissions does not count toward it. Last evaluated 2023-08-16.

Conditions:
DUOX2-related disorder. Also called: DUOX2-related condition.

Allele frequency attached by ClinVar (database versions not stated): ExAC 0.00001; TOPMed 0.00001.
gnomAD v4.1: 6 of 1,614,216 alleles (0.00037%); highest among the groups gnomAD compares: Admixed American, 0.005%; no homozygotes.

Submissions (2):

Labcorp Genetics (formerly Invitae), Labcorp
Classification: Likely benign. Last evaluated: 2023-08-16. Review status: criteria provided, single submitter. Criteria: Invitae Variant Classification Sherloc (09022015). Collection method: clinical testing. Allele origin: germline.

PreventionGenetics, part of Exact Sciences
Classification: Likely benign for DUOX2-related condition. Last evaluated: 2023-07-12. Review status: no assertion criteria provided. Collection method: clinical testing. Allele origin: germline. Not counted in ClinVar's aggregate classification.
Comment: This variant is classified as likely benign based on ACMG/AMP sequence variant interpretation guidelines (Richards et al. 2015 PMID: 25741868, with internal and published modifications).